The following is an entry in ClinVar:

NM_001371928.1(AHDC1):c.1653del (p.Lys552fs)

Gene: AHDC1 (AT-hook DNA binding motif containing 1; minus strand). Cytogenetic location: 1p36.11.
Variant type: Deletion.
Coding change: c.1653del on transcript NM_001371928.1 (MANE Select); coding-DNA position 1653, one base deleted (T; older notation c.1653delT).
Protein change: p.Lys552fs; shifts the reading frame from lysine 552.
Molecular consequence: frameshift variant.
Genome position (GRCh38, 1-based): chr1:27,550,463, A deleted on the plus strand (T on the coding strand, the reverse complement: AHDC1 is on the minus strand). VCF-style (leftmost placement, unchanged base first): chr1-27550462-TA-T. GRCh37 (hg19) VCF-style: chr1-27876973-TA-T.
Other names: p.Lys552ArgfsTer33; c.1653del, p.Lys552fs (NM_001029882.3); short protein forms K552fs.
Identifiers: ClinVar variation 2583159 (VCV002583159.2), dbSNP rs2522000606, ClinGen allele CA2582341904.

ClinVar aggregate classification (germline): Pathogenic (1 of 4 stars; one submission).

Conditions:
AHDC1-related intellectual disability - obstructive sleep apnea - mild dysmorphism syndrome. Also called: Xia-Gibbs syndrome. Identifiers: Orphanet 412069, MedGen C4014419, MONDO:0014358, OMIM 615829.

Submission:

Laboratory of Human Genetics, Universidade de São Paulo
Classification: Pathogenic for AHDC1-related intellectual disability - obstructive sleep apnea - mild dysmorphism syndrome. Last evaluated: 2021-06-24. Review status: criteria provided, single submitter. Criteria: ACMG Guidelines, 2015. Collection method: clinical testing. Allele origin: de novo. Inheritance: Autosomal dominant inheritance. Affected: yes. Observed: 1 heterozygote.
Comment: PVS1, PM2, PM6 (ACMG)